The following is an entry in ClinVar:

NM_020964.3(EPG5):c.7545del (p.Ala2517fs)

Gene: EPG5 (ectopic P-granules 5 autophagy tethering factor; minus strand). Cytogenetic location: 18q12.3.
Variant type: Deletion.
Coding change: c.7545del on transcript NM_020964.3 (MANE Select); coding-DNA position 7545, one base deleted (C; older notation c.7545delC).
Protein change: p.Ala2517fs; shifts the reading frame from alanine 2517.
Molecular consequence: frameshift variant.
Genome position (GRCh38, 1-based): chr18:45,855,585, G deleted on the plus strand (C on the coding strand, the reverse complement: EPG5 is on the minus strand); the first of 5 consecutive G bases (chr18:45,855,585-45,855,589); deleting any one gives the same sequence. VCF-style (leftmost placement, unchanged base first): chr18-45855584-TG-T. GRCh37 (hg19) VCF-style: chr18-43435549-TG-T.
Other names: short protein forms A2517fs.
Identifiers: ClinVar variation 1481192 (VCV001481192.9), dbSNP rs2145172418, ClinGen allele CA2573155335.

ClinVar aggregate classification (germline): Uncertain significance (1 of 4 stars; one submission).

Conditions:
Vici syndrome (VICIS). Identifiers: Orphanet 1493, MedGen C1855772, MONDO:0009452, OMIM 242840.

Submission:

Labcorp Genetics (formerly Invitae), Labcorp
Classification: Uncertain significance for Vici syndrome. Last evaluated: 2022-11-01. Review status: criteria provided, single submitter. Criteria: Invitae Variant Classification Sherloc (09022015). Collection method: clinical testing. Allele origin: germline.
Comment: This sequence change creates a premature translational stop signal (p.Ala2517Leufs*5) in the EPG5 gene. While this is not anticipated to result in nonsense mediated decay, it is expected to disrupt the last 63 amino acid(s) of the EPG5 protein. This variant is not present in population databases (gnomAD no frequency). In summary, the available evidence is currently insufficient to determine the role of this variant in disease. Therefore, it has been classified as a Variant of Uncertain Significance. This variant disrupts a region of the EPG5 protein in which other variant(s) (p.Arg2579Gln) have been observed in individuals with EPG5-related conditions (PMID: 31625567). This suggests that this is a clinically significant region of the protein, and that variants that disrupt it are likely to be disease-causing. Experimental studies and prediction algorithms are not available or were not evaluated, and the functional significance of this variant is currently unknown. ClinVar contains an entry for this variant (Variation ID: 1481192). This variant has not been reported in the literature in individuals affected with EPG5-related conditions.

Literature cited by the submitters: PubMed 31625567.